The following is an entry in ClinVar:

NC_000001.10:g.(?_216017616)_(216019395_?)del

Gene: USH2A (usherin; minus strand). Cytogenetic location: 1q41.
Variant type: Deletion.
Identifiers: ClinVar variation 2427743 (VCV002427743.4).

ClinVar aggregate classification (germline): Pathogenic (1 of 4 stars; one submission).

Submission:

Labcorp Genetics (formerly Invitae), Labcorp
Classification: Pathogenic. Last evaluated: 2022-02-13. Review status: criteria provided, single submitter. Criteria: Invitae Variant Classification Sherloc (09022015). Collection method: clinical testing. Allele origin: germline.
Comment: This variant has not been reported in the literature in individuals affected with USH2A-related conditions. For these reasons, this variant has been classified as Pathogenic. This variant is not present in population databases (gnomAD no frequency). This variant is a gross deletion of the genomic region encompassing exon(s) 45-46 of the USH2A gene. This deletion is out-of-frame, and is expected to create a premature termination codon and result in an absent or disrupted protein product. Loss-of-function variants in USH2A are known to be pathogenic (PMID: 10729113, 10909849, 20507924, 25649381).

Literature cited by the submitters: PubMed 10729113; PubMed 10909849; PubMed 20507924; PubMed 25649381.